The following is an entry in ClinVar:

ClinVar aggregate classification (germline): Uncertain significance (1 of 4 stars; one submission).

Conditions:
Hereditary cancer-predisposing syndrome. Also called: Neoplastic Syndromes, Hereditary; Tumor predisposition; Hereditary Cancer Syndrome; Hereditary neoplastic syndrome. Identifiers: Orphanet 140162, MedGen C0027672, MeSH D009386, MONDO:0015356.

Submission:

Ambry Genetics
Classification: Uncertain significance for Hereditary cancer-predisposing syndrome. Last evaluated: 2026-05-19. Review status: criteria provided, single submitter. Criteria: Ambry Variant Classification Scheme 2023. Collection method: clinical testing. Allele origin: germline.
Comment: The p.S547L variant (also known as c.1640C>T), located in coding exon 11 of the PMS2 gene, results from a C to T substitution at nucleotide position 1640. The serine at codon 547 is replaced by leucine, an amino acid with dissimilar properties. This amino acid position is conserved. In addition, this alteration is predicted to be tolerated by in silico analysis. Based on the available evidence, the clinical significance of this variant remains unclear.

NM_000535.7(PMS2):c.1640C>T (p.Ser547Leu)

Gene: PMS2 (PMS1 homolog 2, mismatch repair system component; minus strand). Cytogenetic location: 7p22.1.
Variant type: single nucleotide variant.
Coding change: c.1640C>T on transcript NM_000535.7 (MANE Select); coding-DNA position 1640, C replaced by T.
Protein change: p.Ser547Leu; replaces serine 547 with leucine.
Molecular consequence: missense variant. On other transcripts: non-coding transcript variant (1), intron variant (1).
Genome position (GRCh38, 1-based): chr7:5,987,125, G>A on the plus strand (C>T on the coding strand, the complement: PMS2 is on the minus strand). VCF-style: chr7-5987125-G-A. GRCh37 (hg19) VCF-style: chr7-6026756-G-A.
Other names: c.1322C>T, p.Ser441Leu (NM_001406876.1, NM_001406883.1, NM_001406903.1 and 2 more transcripts); c.1331C>T, p.Ser444Leu (NM_001406877.1, NM_001406878.1, NM_001406879.1 and 5 more transcripts); c.1316C>T, p.Ser439Leu (NM_001406884.1); c.1304C>T, p.Ser435Leu (NM_001406885.1); c.1235C>T, p.Ser412Leu (NM_001406895.1, NM_001406896.1, NM_001406897.1 and 16 more transcripts); c.1175C>T, p.Ser392Leu (NM_001406900.1); c.1166C>T, p.Ser389Leu (NM_001406901.1, NM_001406902.1); c.1127C>T, p.Ser376Leu (NM_001406904.1, NM_001406905.1); and 13 more; short protein forms S236L, S290L, S356L, S360L, S376L, S389L, S392L, S412L.
Identifiers: ClinVar variation 4862124 (VCV004862124.1).